The following is an entry in ClinVar:

NM_194248.3(OTOF):c.2401G>T (p.Glu801Ter)

Gene: OTOF (otoferlin; minus strand). Cytogenetic location: 2p23.3.
Variant type: single nucleotide variant.
Coding change: c.2401G>T on transcript NM_194248.3 (MANE Select); coding-DNA position 2401, G replaced by T.
Protein change: p.Glu801Ter; replaces glutamic acid 801 with a stop codon.
Molecular consequence: nonsense.
Genome position (GRCh38, 1-based): chr2:26,477,421, C>A on the plus strand (G>T on the coding strand, the complement: OTOF is on the minus strand). VCF-style: chr2-26477421-C-A. GRCh37 (hg19) VCF-style: chr2-26700289-C-A.
Other names: c.2401G>T, p.Glu801Ter (NM_001287489.2); c.160G>T, p.Glu54Ter (NM_004802.4, NM_194323.3); c.331G>T, p.Glu111Ter (NM_194322.3); short protein forms E801*, E54*, E111*.
Identifiers: ClinVar variation 335447 (VCV000335447.11), dbSNP rs75624587, ClinGen allele CA1563936.
Genomic context (GRCh38, chr2:26,477,421, plus strand): 5'-ACCTTCTCACAACCAGGCCCTCCCTCCAGCCCCCGCCGTCCAGTTGCGTCCTCACCAGCT[C>A]CCTCATGCAGGACTTGAGGCGCTCCCGGTCAAGCCTGGTGCGGGATGAGTGGCCCTGGTC-3'

ClinVar aggregate classification (germline): Benign/Likely benign. Review status: criteria provided, multiple submitters, no conflicts (2 of 4 stars). 5 submissions from 5 submitters: Benign (3); Likely benign (2). Last evaluated 2026-01-10.

Conditions:
Autosomal recessive nonsyndromic hearing loss 9. Also called: Deafness, autosomal recessive 9; OTOF-Related Hearing Loss; NEUROSENSORY NONSYNDROMIC RECESSIVE DEAFNESS 9; AUDITORY NEUROPATHY, AUTOSOMAL RECESSIVE, 1, TEMPERATURE-SENSITIVE. Identifiers: Orphanet 90636, MedGen C1832828, MONDO:0010986, OMIM 601071.

Allele frequency attached by ClinVar (database versions not stated): TOPMed 0.03880; gnomAD exomes 0.00356 and 0.00855; ExAC 0.01897; gnomAD 0.03330 and 0.03607; 1000 Genomes Project 0.03454; ESP Exome Variant Server 0.03460; 1000 Genomes Project 30x 0.03685.
gnomAD v4.1: 10,424 of 1,586,870 alleles (0.66%); highest among the groups gnomAD compares: African/African-American, 12%; 535 homozygotes.

Submissions (6):

Labcorp Genetics (formerly Invitae), Labcorp
Classification: Benign. Last evaluated: 2026-01-10. Review status: criteria provided, single submitter. Criteria: Invitae Variant Classification Sherloc (09022015). Collection method: clinical testing. Allele origin: germline.

Women's Health and Genetics/Laboratory Corporation of America, LabCorp
Classification: Benign. Last evaluated: 2022-02-18. Review status: criteria provided, single submitter. Criteria: LabCorp Variant Classification Summary - May 2015. Collection method: clinical testing. Allele origin: germline.
Comment: Variant summary: OTOF c.2401G>T (p.Glu801X) results in a premature termination codon, predicted to cause a truncation of the encoded protein or absence of the protein due to nonsense mediated decay, which are commonly known mechanisms for disease. The variant allele was found at a frequency of 0.012 in 237518 control chromosomes, predominantly at a frequency of 0.12 within the African or African-American subpopulation in the gnomAD database, including 139 homozygotes. The observed variant frequency within African or African-American control individuals in the gnomAD database is approximately 107 fold of the estimated maximal expected allele frequency for a pathogenic variant in OTOF causing Nonsyndromic Hearing Loss And Deafness, Type 9 phenotype (0.0011), strongly suggesting that the variant is a benign polymorphism found primarily in populations of African or African-American origin. To our knowledge, no occurrence of c.2401G>T in individuals affected with Nonsyndromic Hearing Loss And Deafness, Type 9 and no experimental evidence demonstrating its impact on protein function have been reported. Two ClinVar submitters (evaluation after 2014) cite the variant as benign and likely benign. Based on the evidence outlined above, the variant was classified as benign.

GeneDx
Classification: Benign. Last evaluated: 2017-12-28. Review status: criteria provided, single submitter. Criteria: GeneDx Variant Classification (06012015). Collection method: clinical testing. Allele origin: germline. Affected: yes.
Comment: This variant is considered likely benign or benign based on one or more of the following criteria: it is a conservative change, it occurs at a poorly conserved position in the protein, it is predicted to be benign by multiple in silico algorithms, and/or has population frequency not consistent with disease.

Illumina Laboratory Services, Illumina
Classification: Likely benign for Autosomal recessive nonsyndromic hearing loss 9. Last evaluated: 2017-04-27. Review status: criteria provided, single submitter. Criteria: ICSL Variant Classification Criteria 13 December 2019. Collection method: clinical testing. Allele origin: germline.
Comment: This variant was observed as part of a predisposition screen in an ostensibly healthy population. A literature search was performed for the gene, cDNA change, and amino acid change (where applicable). Publications were found based on this search. The evidence from the literature, in combination with allele frequency data from public databases where available, was sufficient to determine this variant is unlikely to cause disease. Therefore, this variant is classified as likely benign.

Breakthrough Genomics
Classification: Likely benign. Review status: criteria provided, single submitter. Criteria: ACMG Guidelines, 2015. Collection method: not provided. Allele origin: germline. Inheritance: Autosomal recessive inheritance. Affected: yes.

Dr. Peter K. Rogan Lab, Western University
No classification provided (evidence only). Condition: Uterine corpus endometrial carcinoma. Review status: no classification provided. Collection method: in vitro. Allele origin: not applicable. Functional consequence: retained intron. Not counted in ClinVar's aggregate classification.

Literature cited by the submitters: PubMed 19461658 (cited by Illumina Laboratory Services, Illumina).